The following is an entry in ClinVar:

ClinVar aggregate classification (germline): Benign. Review status: criteria provided, multiple submitters, no conflicts (2 of 4 stars). 7 submissions from 7 submitters: Benign (6). 1 of the submissions does not count toward it. Last evaluated 2026-02-04.

Conditions:
Pyridoxine-dependent epilepsy (EPEO4). Also called: Pyridoxine-Dependent Seizures; PYRIDOXINE DEPENDENCY WITH SEIZURES; Pyridoxine-Dependent Epilepsy - ALDH7A1; EPILEPSY, EARLY-ONSET, 4, VITAMIN B6-DEPENDENT. Identifiers: Orphanet 3006, MedGen C1849508, MONDO:0009945, OMIM 266100. Disease mechanism: loss of function.

Allele frequency attached by ClinVar (database versions not stated): gnomAD exomes 0.01958 and 0.01970; ExAC 0.02047; 1000 Genomes Project 0.02656; 1000 Genomes Project 30x 0.02920; gnomAD 0.03317 and 0.03492; ESP Exome Variant Server 0.03621; TOPMed 0.03640.
gnomAD v4.1: 34,049 of 1,614,016 alleles (2.1%); highest among the groups gnomAD compares: African/African-American, 7.3%; 507 homozygotes.

Submissions (21):

Labcorp Genetics (formerly Invitae), Labcorp
Classification: Benign for Pyridoxine-dependent epilepsy. Last evaluated: 2026-02-04. Review status: criteria provided, single submitter. Criteria: Invitae Variant Classification Sherloc (09022015). Collection method: clinical testing. Allele origin: germline.

Genome-Nilou Lab
Classification: Benign for Pyridoxine-dependent epilepsy. Last evaluated: 2023-04-11. Review status: criteria provided, single submitter. Criteria: ACMG Guidelines, 2015. Collection method: clinical testing. Allele origin: germline. Affected: no.

Illumina Laboratory Services, Illumina
Classification: Benign for Pyridoxine-dependent epilepsy. Last evaluated: 2018-01-13. Review status: criteria provided, single submitter. Criteria: ICSL Variant Classification Criteria 13 December 2019. Collection method: clinical testing. Allele origin: germline.
Comment: This variant was observed in the ICSL laboratory as part of a predisposition screen in an ostensibly healthy population. It had not been previously curated by ICSL or reported in the Human Gene Mutation Database (HGMD: prior to June 1st, 2018), and was therefore a candidate for classification through an automated scoring system. Utilizing variant allele frequency, disease prevalence and penetrance estimates, and inheritance mode, an automated score was calculated to assess if this variant is too frequent to cause the disease. Based on the score and internal cut-off values, a variant classified as benign is not then subjected to further curation. The score for this variant resulted in a classification of benign for this disease.

GeneDx
Classification: Benign. Last evaluated: 2015-03-03. Review status: criteria provided, single submitter. Criteria: GeneDx Variant Classification Process June 2021. Collection method: clinical testing. Allele origin: germline. Affected: yes.

Genome Diagnostics Laboratory, University Medical Center Utrecht
Classification: Benign for Pyridoxine-dependent epilepsy. Last evaluated: 2014-10-09. Review status: criteria provided, single submitter. Criteria: ACGS Guidelines, 2013. Collection method: clinical testing. Allele origin: germline. Affected: yes. Study: VKGL Data-share Consensus.

PreventionGenetics, part of Exact Sciences
Classification: Benign. Review status: criteria provided, single submitter. Criteria: ACMG Guidelines, 2015. Collection method: clinical testing. Allele origin: germline.

Clinical Genetics, Academic Medical Center
Classification: Benign. Review status: no assertion criteria provided. Collection method: clinical testing. Allele origin: germline. Affected: yes. Study: VKGL Data-share Consensus. Not counted in ClinVar's aggregate classification.

Dr. Peter K. Rogan Lab, Western University
No classification provided (evidence only). Condition: Acute myeloid leukemia. Review status: no classification provided. Collection method: in vitro. Allele origin: not applicable. Functional consequence: retained intron. Not counted in ClinVar's aggregate classification.

Dr. Peter K. Rogan Lab, Western University
No classification provided (evidence only). Condition: Acute myeloid leukemia. Review status: no classification provided. Collection method: in vitro. Allele origin: not applicable. Functional consequence: retained intron. Not counted in ClinVar's aggregate classification.

Dr. Peter K. Rogan Lab, Western University
No classification provided (evidence only). Condition: Cervical cancer. Review status: no classification provided. Collection method: in vitro. Allele origin: not applicable. Functional consequence: retained intron. Not counted in ClinVar's aggregate classification.

Dr. Peter K. Rogan Lab, Western University
No classification provided (evidence only). Condition: Cervical cancer. Review status: no classification provided. Collection method: in vitro. Allele origin: not applicable. Functional consequence: retained intron. Not counted in ClinVar's aggregate classification.

Dr. Peter K. Rogan Lab, Western University
No classification provided (evidence only). Condition: Sarcoma. Review status: no classification provided. Collection method: in vitro. Allele origin: not applicable. Functional consequence: retained intron. Not counted in ClinVar's aggregate classification.

Dr. Peter K. Rogan Lab, Western University
No classification provided (evidence only). Condition: Sarcoma. Review status: no classification provided. Collection method: in vitro. Allele origin: not applicable. Functional consequence: skipped exon. Not counted in ClinVar's aggregate classification.

Dr. Peter K. Rogan Lab, Western University
No classification provided (evidence only). Condition: Thymoma. Review status: no classification provided. Collection method: in vitro. Allele origin: not applicable. Functional consequence: skipped exon. Not counted in ClinVar's aggregate classification.

Dr. Peter K. Rogan Lab, Western University
No classification provided (evidence only). Condition: Ovarian serous cystadenocarcinoma. Review status: no classification provided. Collection method: in vitro. Allele origin: not applicable. Functional consequence: retained intron. Not counted in ClinVar's aggregate classification.

Dr. Peter K. Rogan Lab, Western University
No classification provided (evidence only). Condition: Ovarian serous cystadenocarcinoma. Review status: no classification provided. Collection method: in vitro. Allele origin: not applicable. Functional consequence: retained intron. Not counted in ClinVar's aggregate classification.

Dr. Peter K. Rogan Lab, Western University
No classification provided (evidence only). Condition: Gastric cancer. Review status: no classification provided. Collection method: in vitro. Allele origin: not applicable. Functional consequence: retained intron. Not counted in ClinVar's aggregate classification.

Dr. Peter K. Rogan Lab, Western University
No classification provided (evidence only). Condition: Gastric cancer. Review status: no classification provided. Collection method: in vitro. Allele origin: not applicable. Functional consequence: retained intron. Not counted in ClinVar's aggregate classification.

Dr. Peter K. Rogan Lab, Western University
No classification provided (evidence only). Condition: Germ cell tumor of testis. Review status: no classification provided. Collection method: in vitro. Allele origin: not applicable. Functional consequence: retained intron. Not counted in ClinVar's aggregate classification.

Dr. Peter K. Rogan Lab, Western University
No classification provided (evidence only). Condition: Malignant tumor of esophagus. Review status: no classification provided. Collection method: in vitro. Allele origin: not applicable. Functional consequence: retained intron. Not counted in ClinVar's aggregate classification.

Dr. Peter K. Rogan Lab, Western University
No classification provided (evidence only). Condition: Ovarian cancer. Review status: no classification provided. Collection method: in vitro. Allele origin: not applicable. Functional consequence: retained intron. Not counted in ClinVar's aggregate classification.

NM_001182.5(ALDH7A1):c.518-12T>G

Gene: ALDH7A1 (aldehyde dehydrogenase 7 family member A1; minus strand). Cytogenetic location: 5q23.2.
Variant type: single nucleotide variant.
Coding change: c.518-12T>G on transcript NM_001182.5 (MANE Select); 12 bases into the intron before coding-DNA position 518, T replaced by G.
Molecular consequence: intron variant.
Genome position (GRCh38, 1-based): chr5:126,577,223, A>C on the plus strand (T>G on the coding strand, the complement: ALDH7A1 is on the minus strand). VCF-style: chr5-126577223-A-C. GRCh37 (hg19) VCF-style: chr5-125912915-A-C.
Other names: c.518-12T>G (NM_001202404.2); c.434-12T>G (NM_001201377.2).
Identifiers: ClinVar variation 257610 (VCV000257610.20), dbSNP rs79544459, ClinGen allele CA3389743.